The following is an entry in ClinVar:

NC_000016.9:g.(?_2115500)_(2115656_?)dup

Gene: TSC2 (TSC complex subunit 2; plus strand). Cytogenetic location: 16p13.3.
Variant type: Duplication.
Identifiers: ClinVar variation 2423294 (VCV002423294.4).

ClinVar aggregate classification (germline): Uncertain significance (1 of 4 stars; one submission).

Conditions:
Tuberous sclerosis 2 (TSC2). Identifiers: Orphanet 805, MedGen C1860707, MONDO:0013199, OMIM 613254.

Submission:

Labcorp Genetics (formerly Invitae), Labcorp
Classification: Uncertain significance for Tuberous sclerosis 2. Last evaluated: 2022-11-28. Review status: criteria provided, single submitter. Criteria: Invitae Variant Classification Sherloc (09022015). Collection method: clinical testing. Allele origin: germline.
Comment: In summary, the available evidence is currently insufficient to determine the role of this variant in disease. Therefore, it has been classified as a Variant of Uncertain Significance. This variant has not been reported in the literature in individuals affected with TSC2-related conditions. This variant results in a copy number gain of the genomic region encompassing exon(s) 16 of the TSC2 gene. While the exact position of this variant cannot be determined from the data, sub-genic copy number gains are generally in tandem (PMID: 25640679). This variant is predicted to be in-frame, and likely preserves the integrity of the reading frame.

Literature cited by the submitters: PubMed 25640679.